The following is an entry in ClinVar:

NM_000173.7(GP1BA):c.1774C>T (p.Arg592Trp)

Genes: GP1BA (glycoprotein Ib platelet subunit alpha; plus strand), LOC130060044 (ATAC-STARR-seq lymphoblastoid active region 11554; plus strand). Cytogenetic location: 17p13.2.
Variant type: single nucleotide variant.
Coding change: c.1774C>T on transcript NM_000173.7 (MANE Select); coding-DNA position 1774, C replaced by T.
Protein change: p.Arg592Trp; replaces arginine 592 with tryptophan.
Molecular consequence: missense variant.
Genome position (GRCh38, 1-based): chr17:4,934,378, C>T. VCF-style: chr17-4934378-C-T. GRCh37 (hg19) VCF-style: chr17-4837673-C-T.
Other names: c.1774C>T (NM_000173.5); short protein forms R592W.
Identifiers: ClinVar variation 3063826 (VCV003063826.3), dbSNP rs377404073, ClinGen allele CA8315069.
Genomic context (GRCh38, chr17:4,934,378, plus strand): 5'-ACCACAGCCACACAAACCACACACCTGGAGCTGCAGAGGGGACGGCAAGTGACAGTGCCC[C>T]GGGCCTGGCTGCTCTTCCTTCGAGGTTCGCTTCCCACTTTCCGCTCCAGCCTCTTCCTGT-3'
Protein context (NP_000164.5, residues 582-602): LQRGRQVTVP[Arg592Trp]AWLLFLRGSL

ClinVar aggregate classification (germline): Uncertain significance. Review status: criteria provided, multiple submitters, no conflicts (2 of 4 stars). 2 submissions from 2 submitters: Uncertain significance (2). Last evaluated 2025-07-22.

Conditions:
Inborn genetic diseases. Identifiers: MedGen C0950123, MeSH D030342.

Allele frequency attached by ClinVar (database versions not stated): gnomAD exomes 0.00005; ExAC 0.00007; gnomAD 0.00008; TOPMed 0.00008; ESP Exome Variant Server 0.00016.
gnomAD v4.1: 92 of 1,613,940 alleles (0.0057%); highest among the groups gnomAD compares: African/African-American, 0.021%; no homozygotes.

Submissions (2):

Women's Health and Genetics/Laboratory Corporation of America, LabCorp
Classification: Uncertain significance. Last evaluated: 2025-07-22. Review status: criteria provided, single submitter. Criteria: LabCorp Variant Classification Summary - May 2015. Collection method: clinical testing. Allele origin: germline.
Comment: Variant summary: GP1BA c.1774C>T (p.Arg592Trp) results in a non-conservative amino acid change in the encoded protein sequence. Algorithms developed to predict the effect of missense changes on protein structure and function are either unavailable or do not agree on the potential impact of this missense change. The variant allele was found at a frequency of 5.2e-05 in 249246 control chromosomes, predominantly at a frequency of 0.00028 within the East Asian subpopulation in the gnomAD database. The available data on variant occurrences in the general population are insufficient to allow any conclusion about variant significance. To our knowledge, no occurrence of c.1774C>T in individuals affected with Bernard-Soulier Syndrome, Type A2, Autosomal Dominant and no experimental evidence demonstrating its impact on protein function have been reported. ClinVar contains an entry for this variant (Variation ID: 3063826). Based on the evidence outlined above, the variant was classified as uncertain significance.

Ambry Genetics
Classification: Uncertain significance for Inborn genetic diseases. Last evaluated: 2025-01-03. Review status: criteria provided, single submitter. Criteria: Ambry Variant Classification Scheme 2023. Collection method: clinical testing. Allele origin: germline.